The following is an entry in ClinVar:

NM_001199267.2(DGKZ):c.162-350C>T

Gene: DGKZ (diacylglycerol kinase zeta; plus strand). Cytogenetic location: 11p11.2.
Variant type: single nucleotide variant.
Coding change: c.162-350C>T on transcript NM_001199267.2 (MANE Select); 350 bases into the intron before coding-DNA position 162, C replaced by T.
Molecular consequence: intron variant. On other transcripts: missense variant (1).
Genome position (GRCh38, 1-based): chr11:46,366,941, C>T. VCF-style: chr11-46366941-C-T. GRCh37 (hg19) VCF-style: chr11-46388491-C-T.
Other names: c.685C>T (NM_001105540.1); c.685C>T, p.Arg229Trp (NM_001105540.2); c.213-350C>T (NM_201532.3); c.177-350C>T (NM_201533.3); c.162-350C>T (NM_001199266.2, NM_003646.4, NM_001199268.2); short protein forms R229W.
Identifiers: ClinVar variation 1957495 (VCV001957495.7), dbSNP rs776728114, ClinGen allele CA221603974.

ClinVar aggregate classification (germline): Uncertain significance. Review status: criteria provided, multiple submitters, no conflicts (2 of 4 stars). 2 submissions from 2 submitters: Uncertain significance (2). Last evaluated 2025-11-04.

Allele frequency attached by ClinVar (database versions not stated): gnomAD 0.00005; TOPMed 0.00004.
gnomAD v4.1: 36 of 1,538,962 alleles (0.0023%); highest among the groups gnomAD compares: East Asian, 0.012%; no homozygotes.

Submissions (2):

Labcorp Genetics (formerly Invitae), Labcorp
Classification: Uncertain significance. Last evaluated: 2025-11-04. Review status: criteria provided, single submitter. Criteria: Invitae Variant Classification Sherloc (09022015). Collection method: clinical testing. Allele origin: germline.
Comment: This sequence change replaces arginine, which is basic and polar, with tryptophan, which is neutral and slightly polar, at codon 229 of the DGKZ protein (p.Arg229Trp). The frequency data for this variant in the population databases is considered unreliable, as metrics indicate poor data quality at this position in the gnomAD database. This variant has not been reported in the literature in individuals affected with DGKZ-related conditions. ClinVar contains an entry for this variant (Variation ID: 1957495). An algorithm developed to predict the effect of missense changes on protein structure and function (PolyPhen-2) suggests that this variant is likely to be disruptive. In summary, the available evidence is currently insufficient to determine the role of this variant in disease. Therefore, it has been classified as a Variant of Uncertain Significance.

Ambry Genetics
Classification: Uncertain significance. Last evaluated: 2025-02-20. Review status: criteria provided, single submitter. Criteria: Ambry Variant Classification Scheme 2023. Collection method: clinical testing. Allele origin: germline.